The following is an entry in ClinVar:

ClinVar aggregate classification (germline): Uncertain significance. Review status: criteria provided, multiple submitters, no conflicts (2 of 4 stars). 2 submissions from 2 submitters: Uncertain significance (2). Last evaluated 2022-11-05.

Conditions:
Hereditary cancer-predisposing syndrome. Also called: Tumor predisposition; Hereditary neoplastic syndrome; Neoplastic Syndromes, Hereditary; Hereditary Cancer Syndrome. Identifiers: Orphanet 140162, MedGen C0027672, MeSH D009386, MONDO:0015356.
Oligodontia-cancer predisposition syndrome. Also called: TOOTH AGENESIS-COLORECTAL CANCER SYNDROME. Identifiers: Orphanet 300576, MedGen C1837750, MONDO:0012075, OMIM 608615. Disease mechanism: loss of function.

Allele frequency attached by ClinVar (database versions not stated): gnomAD exomes below 0.00001.
gnomAD v4.1: 1 of 1,614,172 alleles (0.000062%); highest among the groups gnomAD compares: South Asian, 0.0011%; no homozygotes.

Submissions (2):

Ambry Genetics
Classification: Uncertain significance for Hereditary cancer-predisposing syndrome. Last evaluated: 2022-11-05. Review status: criteria provided, single submitter. Criteria: Ambry Variant Classification Scheme 2023. Collection method: clinical testing. Allele origin: germline.
Comment: The p.E386K variant (also known as c.1156G>A), located in coding exon 4 of the AXIN2 gene, results from a G to A substitution at nucleotide position 1156. The glutamic acid at codon 386 is replaced by lysine, an amino acid with similar properties. This amino acid position is conserved. In addition, the in silico prediction for this alteration is inconclusive. Since supporting evidence is limited at this time, the clinical significance of this alteration remains unclear.

Labcorp Genetics (formerly Invitae), Labcorp
Classification: Uncertain significance for Oligodontia-cancer predisposition syndrome. Last evaluated: 2022-02-20. Review status: criteria provided, single submitter. Criteria: Invitae Variant Classification Sherloc (09022015). Collection method: clinical testing. Allele origin: germline.
Comment: In summary, the available evidence is currently insufficient to determine the role of this variant in disease. Therefore, it has been classified as a Variant of Uncertain Significance. Algorithms developed to predict the effect of missense changes on protein structure and function are either unavailable or do not agree on the potential impact of this missense change (SIFT: "Deleterious"; PolyPhen-2: "Possibly Damaging"; Align-GVGD: "Class C15"). This variant has not been reported in the literature in individuals affected with AXIN2-related conditions. This variant is not present in population databases (gnomAD no frequency). This sequence change replaces glutamic acid, which is acidic and polar, with lysine, which is basic and polar, at codon 386 of the AXIN2 protein (p.Glu386Lys).

NM_004655.4(AXIN2):c.1156G>A (p.Glu386Lys)

Gene: AXIN2 (axin 2; minus strand). Cytogenetic location: 17q24.1.
Variant type: single nucleotide variant.
Coding change: c.1156G>A on transcript NM_004655.4 (MANE Select); coding-DNA position 1156, G replaced by A.
Protein change: p.Glu386Lys; replaces glutamic acid 386 with lysine.
Molecular consequence: missense variant.
Genome position (GRCh38, 1-based): chr17:65,538,247, C>T on the plus strand (G>A on the coding strand, the complement: AXIN2 is on the minus strand). VCF-style: chr17-65538247-C-T. GRCh37 (hg19) VCF-style: chr17-63534365-C-T.
Other names: c.1156G>A (NM_004655.3); c.1156G>A, p.Glu386Lys (NM_001363813.1); short protein forms E386K.
Identifiers: ClinVar variation 1359877 (VCV001359877.7), dbSNP rs1173549577, ClinGen allele CA400678292.